The following is an entry in ClinVar:

ClinVar aggregate classification (germline): Conflicting classifications of pathogenicity. Review status: criteria provided, conflicting classifications (1 of 4 stars). 8 submissions from 8 submitters: Uncertain significance (1); Benign (1); Likely benign (5). 1 of the submissions does not count toward it. Last evaluated 2025-12-15.

Conditions:
Hereditary spastic paraplegia 48. Also called: SPASTIC PARAPLEGIA 48, AUTOSOMAL RECESSIVE; Spastic paraplegia 48. Identifiers: Orphanet 306511, MedGen C3150901, MONDO:0013342, OMIM 613647.
Hereditary spastic paraplegia. Also called: Familial spastic paraparesis. Identifiers: Orphanet 685, MedGen C0037773, MONDO:0019064. Disease mechanism: loss of function.
AP5Z1-related disorder. Also called: AP5Z1-related condition.

Allele frequency attached by ClinVar (database versions not stated): 1000 Genomes Project 0.00020; 1000 Genomes Project 30x 0.00047; gnomAD exomes 0.00069 and 0.00106; gnomAD 0.00078 and 0.00079; TOPMed 0.00089; ExAC 0.00098; ESP Exome Variant Server 0.00101.
gnomAD v4.1: 1,666 of 1,612,078 alleles (0.1%); highest among the groups gnomAD compares: Non-Finnish European, 0.13%; 3 homozygotes.

Submissions (8):

Labcorp Genetics (formerly Invitae), Labcorp
Classification: Likely benign for Hereditary spastic paraplegia 48. Last evaluated: 2025-12-15. Review status: criteria provided, single submitter. Criteria: Invitae Variant Classification Sherloc (09022015). Collection method: clinical testing. Allele origin: germline.

Mayo Clinic Laboratories, Mayo Clinic
Classification: Likely benign. Last evaluated: 2025-09-02. Review status: criteria provided, single submitter. Criteria: ACMG Guidelines, 2015. Collection method: clinical testing. Allele origin: germline. Observed: 7 variant alleles.
Comment: BS1, BP4, BP7

Blueprint Genetics
Classification: Likely benign. Last evaluated: 2024-11-20. Review status: criteria provided, single submitter. Criteria: ACMG Guidelines, 2015. Collection method: clinical testing. Allele origin: germline.

Athena Diagnostics
Classification: Benign. Last evaluated: 2024-06-24. Review status: criteria provided, single submitter. Criteria: Athena Diagnostics Criteria. Collection method: clinical testing. Allele origin: unknown.

CeGaT Center for Human Genetics Tuebingen
Classification: Likely benign. Last evaluated: 2022-05-01. Review status: criteria provided, single submitter. Criteria: CeGaT Center For Human Genetics Tuebingen Variant Classification Criteria Version 2. Collection method: clinical testing. Allele origin: germline. Affected: yes. Observed: 2 variant alleles.
Comment: AP5Z1: BP4, BP7

Genome Diagnostics Laboratory, The Hospital for Sick Children
Classification: Likely benign for Hereditary spastic paraplegia. Last evaluated: 2021-09-20. Review status: criteria provided, single submitter. Criteria: ACMG Guidelines, 2015. Collection method: clinical testing. Allele origin: germline. Affected: yes.

Illumina Laboratory Services, Illumina
Classification: Uncertain significance for Hereditary spastic paraplegia 48. Last evaluated: 2018-01-13. Review status: criteria provided, single submitter. Criteria: ICSL Variant Classification Criteria 13 December 2019. Collection method: clinical testing. Allele origin: germline.

PreventionGenetics, part of Exact Sciences
Classification: Likely benign for AP5Z1-related condition. Last evaluated: 2019-09-12. Review status: no assertion criteria provided. Collection method: clinical testing. Allele origin: germline. Not counted in ClinVar's aggregate classification.
Comment: This variant is classified as likely benign based on ACMG/AMP sequence variant interpretation guidelines (Richards et al. 2015 PMID: 25741868, with internal and published modifications).

NM_014855.3(AP5Z1):c.999C>T (p.Asp333=)

Gene: AP5Z1 (adaptor related protein complex 5 subunit zeta 1; plus strand). Cytogenetic location: 7p22.1.
Variant type: single nucleotide variant.
Coding change: c.999C>T on transcript NM_014855.3 (MANE Select); coding-DNA position 999, C replaced by T.
Protein change: p.Asp333=; no amino-acid change (aspartic acid 333 retained).
Molecular consequence: synonymous variant. On other transcripts: non-coding transcript variant (1).
Genome position (GRCh38, 1-based): chr7:4,785,551, C>T. VCF-style: chr7-4785551-C-T. GRCh37 (hg19) VCF-style: chr7-4825182-C-T.
Other names: p.Asp333=; c.531C>T, p.Asp177= (NM_001364858.1); c.999C>T, p.Asp333= (LRG_1247t1).
Identifiers: ClinVar variation 538864 (VCV000538864.62), dbSNP rs201196622, ClinGen allele CA4137557.
Genomic context (GRCh38, chr7:4,785,551, plus strand): 5'-CGGCCCATTTGATGTGGTCCATGTCCCGCAGTGCCTGGTGGAGGCCGTGCTGGTGCTGGA[C>T]GTGCTGTGCCGGCAGGACCCGTCCTTCCTGTACCGAAGTCTCTCCTGCCTGAAGGCCCTG-3'
Protein context (NP_055670.1, residues 323-343): ACLVEAVLVL[Asp333=]VLCRQDPSFL